The following is an entry in ClinVar:

ClinVar aggregate classification (germline): Likely pathogenic (1 of 4 stars; one submission).

Submission:

Mayo Clinic Laboratories, Mayo Clinic
Classification: Likely pathogenic. Last evaluated: 2024-02-16. Review status: criteria provided, single submitter. Criteria: ACMG Guidelines, 2015. Collection method: clinical testing. Allele origin: germline. Observed: 1 variant allele.
Comment: PM2, PVS1

NM_002887.4(RARS1):c.1579dup (p.Arg527fs)

Gene: RARS1 (arginyl-tRNA synthetase 1; plus strand). Cytogenetic location: 5q34.
Variant type: Duplication.
Coding change: c.1579dup on transcript NM_002887.4 (MANE Select); coding-DNA position 1579, one base duplicated (A; older notation c.1579dupA).
Protein change: p.Arg527fs; shifts the reading frame from arginine 527.
Molecular consequence: frameshift variant.
Genome position (GRCh38, 1-based): chr5:168,516,904, A duplicated. VCF-style (leftmost placement, unchanged base first): chr5-168516903-C-CA. GRCh37 (hg19) VCF-style: chr5-167943908-C-CA.
Other names: p.Arg527Lysfs*14; short protein forms R527fs.
Identifiers: ClinVar variation 3380997 (VCV003380997.1).
Genomic context (GRCh38, chr5:168,516,903, plus strand): 5'-TGACCTTTCCCATAACCGGTTGAATGACTACATCTTCTCCTTTGACAAAATGCTAGATGA[C>CA]AGAGGAAATACAGCTGCTTACTTGTTGTATGCCTTCACTAGAATCAGGTAATTGTGGGTA-3'